The following is an entry in ClinVar:

ClinVar aggregate classification (germline): Uncertain significance (1 of 4 stars; one submission).

Submission:

Labcorp Genetics (formerly Invitae), Labcorp
Classification: Uncertain significance. Last evaluated: 2022-11-15. Review status: criteria provided, single submitter. Criteria: Invitae Variant Classification Sherloc (09022015). Collection method: clinical testing. Allele origin: germline.
Comment: In summary, the available evidence is currently insufficient to determine the role of this variant in disease. Therefore, it has been classified as a Variant of Uncertain Significance. This variant has not been reported in the literature in individuals affected with DEAF1-related conditions. This variant is not present in population databases (gnomAD no frequency). This variant, c.91_92insTGGCGG, results in the insertion of 2 amino acid(s) of the DEAF1 protein (p.Ala30_Ala31insValAla), but otherwise preserves the integrity of the reading frame.

NM_021008.4(DEAF1):c.91_92insTGGCGG (p.Ala30_Ala31insValAla)

Gene: DEAF1 (DEAF1 transcription factor; minus strand). Cytogenetic location: 11p15.5.
Variant type: Insertion.
Coding change: c.91_92insTGGCGG on transcript NM_021008.4 (MANE Select); coding-DNA positions 91 to 92, TGGCGG inserted.
Protein change: p.Ala30_Ala31insValAla.
Molecular consequence: inframe insertion. On other transcripts: inframe indel (1), intron variant (1).
Genome position: GRCh38 VCF-style: chr11-694956-G-GCCGCCA. GRCh37 (hg19) VCF-style: chr11-694956-G-GCCGCCA.
Other names: c.87_88insGCGGTG, p.Ala30_Ala31insValAla (NM_001293634.2); c.-437-3359_-437-3358insGCGGTG (NM_001367390.1).
Identifiers: ClinVar variation 2988217 (VCV002988217.3), dbSNP rs1426850817, ClinGen allele CA679643551.
Genomic context (GRCh38, chr11:694,956, plus strand): 5'-TCCTCCTCCGAGTCCTCGTCCCTGCTCAGCACCGGCTCCTCCGCCTCGCCTCCTGCCGCG[G>GCCGCCA]CCGCGGCCGCCGCCGCCACAGCGGCCGCGGCCGCCACCGCCGCCGCCTCAGCCAGGCCCA-3'